The following is an entry in ClinVar:

NM_003060.4(SLC22A5):c.1631A>G (p.Asp544Gly)

Gene: SLC22A5 (solute carrier family 22 member 5; plus strand). Cytogenetic location: 5q31.1.
Variant type: single nucleotide variant.
Coding change: c.1631A>G on transcript NM_003060.4 (MANE Select); coding-DNA position 1631, A replaced by G.
Protein change: p.Asp544Gly; replaces aspartic acid 544 with glycine.
Molecular consequence: missense variant.
Genome position (GRCh38, 1-based): chr5:132,394,229, A>G. VCF-style: chr5-132394229-A-G. GRCh37 (hg19) VCF-style: chr5-131729921-A-G.
Other names: c.1703A>G, p.Asp568Gly (NM_001308122.2); c.1631A>G (NM_003060.3); short protein forms D544G, D568G.
Identifiers: ClinVar variation 1972199 (VCV001972199.6), dbSNP rs764068991, ClinGen allele CA360810282.

ClinVar aggregate classification (germline): Uncertain significance. Review status: criteria provided, multiple submitters, no conflicts (2 of 4 stars). 2 submissions from 2 submitters: Uncertain significance (2). Last evaluated 2025-05-21.

Conditions:
Inborn genetic diseases. Identifiers: MedGen C0950123, MeSH D030342.
Renal carnitine transport defect (CDSP). Also called: Carnitine transporter deficiency; Carnitine Deficiency, Systemic; Systemic primary carnitine deficiency disease; Primary carnitine deficiency; CARNITINE DEFICIENCY, SYSTEMIC, DUE TO DEFECT IN RENAL REABSORPTION OF CARNITINE; CARNITINE TRANSPORTER, PLASMA-MEMBRANE, DEFICIENCY OF. Identifiers: Orphanet 158, MedGen C0342788, MONDO:0008919, OMIM 212140.

Submissions (2):

Ambry Genetics
Classification: Uncertain significance for Inborn genetic diseases. Last evaluated: 2025-05-21. Review status: criteria provided, single submitter. Criteria: Ambry Variant Classification Scheme 2023. Collection method: clinical testing. Allele origin: germline.

Labcorp Genetics (formerly Invitae), Labcorp
Classification: Uncertain significance for Renal carnitine transport defect. Last evaluated: 2024-10-18. Review status: criteria provided, single submitter. Criteria: Invitae Variant Classification Sherloc (09022015). Collection method: clinical testing. Allele origin: germline.
Comment: This sequence change replaces aspartic acid, which is acidic and polar, with glycine, which is neutral and non-polar, at codon 544 of the SLC22A5 protein (p.Asp544Gly). This variant is not present in population databases (gnomAD no frequency). This variant has not been reported in the literature in individuals affected with SLC22A5-related conditions. ClinVar contains an entry for this variant (Variation ID: 1972199). Invitae Evidence Modeling of protein sequence and biophysical properties (such as structural, functional, and spatial information, amino acid conservation, physicochemical variation, residue mobility, and thermodynamic stability) has been performed for this missense variant. However, the output from this modeling did not meet the statistical confidence thresholds required to predict the impact of this variant on SLC22A5 protein function. In summary, the available evidence is currently insufficient to determine the role of this variant in disease. Therefore, it has been classified as a Variant of Uncertain Significance.